The following is an entry in ClinVar:

NC_000006.11:g.(?_83888372)_(83889706_?)del

Gene: PGM3 (phosphoglucomutase 3; minus strand). Cytogenetic location: 6q14.1.
Variant type: Deletion.
Identifiers: ClinVar variation 3246040 (VCV003246040.1).

ClinVar aggregate classification (germline): Pathogenic (1 of 4 stars; one submission).

Conditions:
Immunodeficiency 23 (IMD23). Also called: IMMUNODEFICIENCY WITH HYPER IgE AND COGNITIVE IMPAIRMENT; IMMUNODEFICIENCY-VASCULITIS-MYOCLONUS SYNDROME. Identifiers: Orphanet 443811, MedGen C4014371, MONDO:0014353, OMIM 615816.

Submission:

Labcorp Genetics (formerly Invitae), Labcorp
Classification: Pathogenic for Immunodeficiency 23. Last evaluated: 2023-01-26. Review status: criteria provided, single submitter. Criteria: Invitae Variant Classification Sherloc (09022015). Collection method: clinical testing. Allele origin: unknown.
Comment: For these reasons, this variant has been classified as Pathogenic. This variant has not been reported in the literature in individuals affected with PGM3-related conditions. This variant is a gross deletion of the genomic region encompassing exon(s) 8-9 of the PGM3 gene. This deletion is out-of-frame, and is expected to create a premature termination codon and result in an absent or disrupted protein product. Loss-of-function variants in PGM3 are known to be pathogenic (PMID: 17548465, 24589341, 24931394).

Literature cited by the submitters: PubMed 17548465; PubMed 24589341; PubMed 24931394.